The following is an entry in ClinVar:

NM_003482.4(KMT2D):c.12270G>A (p.Gln4090=)

Gene: KMT2D (lysine methyltransferase 2D; minus strand). Cytogenetic location: 12q13.12.
Variant type: single nucleotide variant.
Coding change: c.12270G>A on transcript NM_003482.4 (MANE Select); coding-DNA position 12270, G replaced by A.
Protein change: p.Gln4090=; no amino-acid change (glutamine 4090 retained).
Molecular consequence: synonymous variant.
Genome position (GRCh38, 1-based): chr12:49,032,435, C>T on the plus strand (G>A on the coding strand, the complement: KMT2D is on the minus strand). VCF-style: chr12-49032435-C-T. GRCh37 (hg19) VCF-style: chr12-49426218-C-T.
Identifiers: ClinVar variation 158721 (VCV000158721.15), dbSNP rs370665309, ClinGen allele CA271577.

ClinVar aggregate classification (germline): Conflicting classifications of pathogenicity. Review status: criteria provided, conflicting classifications (1 of 4 stars). 3 submissions from 3 submitters: Uncertain significance (1); Likely benign (1). 1 of the submissions does not count toward it. Last evaluated 2025-09-30.

Conditions:
KMT2D-related disorder. Also called: KMT2D-Related Disorders.
Kabuki syndrome. Also called: Kabuki make-up syndrome; NIIKAWA-KUROKI SYNDROME. Identifiers: Orphanet 2322, MedGen C0796004, MONDO:0016512.
Kabuki syndrome 1 (KABUK1). Also called: KMT2D-Related Kabuki Syndrome. Identifiers: Orphanet 2322, MedGen CN030661, MONDO:0007843, OMIM 147920.

Allele frequency attached by ClinVar (database versions not stated): gnomAD exomes 0.00001 and 0.00002; ExAC 0.00003; gnomAD 0.00006; TOPMed 0.00009; ESP Exome Variant Server 0.00016.
gnomAD v4.1: 19 of 1,575,484 alleles (0.0012%); highest among the groups gnomAD compares: African/African-American, 0.023%; no homozygotes.

Submissions (3):

Labcorp Genetics (formerly Invitae), Labcorp
Classification: Likely benign for Kabuki syndrome. Last evaluated: 2025-09-30. Review status: criteria provided, single submitter. Criteria: Invitae Variant Classification Sherloc (09022015). Collection method: clinical testing. Allele origin: germline.

Genetic Services Laboratory, University of Chicago
Classification: Uncertain significance for Kabuki syndrome 1. Last evaluated: 2013-11-27. Review status: criteria provided, single submitter. Criteria: ACMG Guidelines, 2007. Collection method: clinical testing. Allele origin: germline. Inheritance: Autosomal dominant inheritance.

PreventionGenetics, part of Exact Sciences
Classification: Likely benign for KMT2D-related condition. Last evaluated: 2023-11-21. Review status: no assertion criteria provided. Collection method: clinical testing. Allele origin: germline. Not counted in ClinVar's aggregate classification.
Comment: This variant is classified as likely benign based on ACMG/AMP sequence variant interpretation guidelines (Richards et al. 2015 PMID: 25741868, with internal and published modifications).